The following is an entry in ClinVar:

ClinVar aggregate classification (germline): Uncertain significance. Review status: criteria provided, multiple submitters, no conflicts (2 of 4 stars). 3 submissions from 3 submitters: Uncertain significance (3). Last evaluated 2026-05-29.

Conditions:
IFT172-related disorder. Also called: IFT172-related condition; IFT172-related disorders.
Short-rib thoracic dysplasia 10 with or without polydactyly (SRTD10). Identifiers: Orphanet 474, MedGen C3810175, MONDO:0014284, OMIM 615630.
Retinitis pigmentosa 71 (RP71). Identifiers: Orphanet 791, MedGen C4225342, MONDO:0014618, OMIM 616394.
Intellectual disability. Also called: Intellectual functioning disability; Intellectual developmental disorder; intellectual disabilities. Identifiers: MedGen C3714756, MeSH D008607, MONDO:0001071, HP:0001249.

Allele frequency attached by ClinVar (database versions not stated): TOPMed below 0.00001; gnomAD 0.00001.
gnomAD v4.1: 1 of 1,613,914 alleles (0.000062%); highest among the groups gnomAD compares: Non-Finnish European, 0.000085%; no homozygotes.

Submissions (3):

PreventionGenetics, part of Exact Sciences
Classification: Uncertain significance for IFT172-related condition. Last evaluated: 2026-05-29. Review status: criteria provided, single submitter. Criteria: ACMG Guidelines, 2015. Collection method: clinical testing. Allele origin: germline.
Comment: The IFT172 c.3257C>T variant is predicted to result in the amino acid substitution p.Ala1086Val. To our knowledge, this variant has not been reported in the literature or in a large population database (gnomAD), indicating this variant is rare. At this time, the clinical significance of this variant is uncertain due to the absence of conclusive functional and genetic evidence.

Labcorp Genetics (formerly Invitae), Labcorp
Classification: Uncertain significance for Retinitis pigmentosa 71; Short-rib thoracic dysplasia 10 with or without polydactyly. Last evaluated: 2023-08-10. Review status: criteria provided, single submitter. Criteria: Invitae Variant Classification Sherloc (09022015). Collection method: clinical testing. Allele origin: germline.
Comment: This sequence change replaces alanine, which is neutral and non-polar, with valine, which is neutral and non-polar, at codon 1086 of the IFT172 protein (p.Ala1086Val). This variant is not present in population databases (gnomAD no frequency). This variant has not been reported in the literature in individuals affected with IFT172-related conditions. ClinVar contains an entry for this variant (Variation ID: 1974403). Advanced modeling of protein sequence and biophysical properties (such as structural, functional, and spatial information, amino acid conservation, physicochemical variation, residue mobility, and thermodynamic stability) performed at Invitae indicates that this missense variant is not expected to disrupt IFT172 protein function. In summary, the available evidence is currently insufficient to determine the role of this variant in disease. Therefore, it has been classified as a Variant of Uncertain Significance.

Cambridge Genomics Laboratory, East Genomic Laboratory Hub, NHS Genomic Medicine Service
Classification: Uncertain significance for Intellectual disability. Last evaluated: 2020-02-11. Review status: criteria provided, single submitter. Criteria: ACGS Best Practice Guidelines for Variant Classification in Rare Disease 2020. Collection method: clinical testing. Allele origin: germline. Affected: yes. Observed: 1 variant allele.

NM_015662.3(IFT172):c.3257C>T (p.Ala1086Val)

Gene: IFT172 (intraflagellar transport 172; minus strand). Cytogenetic location: 2p23.3.
Variant type: single nucleotide variant.
Coding change: c.3257C>T on transcript NM_015662.3 (MANE Select); coding-DNA position 3257, C replaced by T.
Protein change: p.Ala1086Val; replaces alanine 1086 with valine.
Molecular consequence: missense variant.
Genome position (GRCh38, 1-based): chr2:27,456,625, G>A on the plus strand (C>T on the coding strand, the complement: IFT172 is on the minus strand). VCF-style: chr2-27456625-G-A. GRCh37 (hg19) VCF-style: chr2-27679492-G-A.
Other names: c.3191C>T, p.Ala1064Val (NM_001410739.1); c.3257C>T (NM_015662.2); short protein forms A1064V, A1086V.
Identifiers: ClinVar variation 1974403 (VCV001974403.7), dbSNP rs1248268202, ClinGen allele CA346379400.